The following is an entry in ClinVar:

NM_002485.5(NBN):c.914T>C (p.Ile305Thr)

Gene: NBN (nibrin; minus strand). Cytogenetic location: 8q21.3.
Variant type: single nucleotide variant.
Coding change: c.914T>C on transcript NM_002485.5 (MANE Select); coding-DNA position 914, T replaced by C.
Protein change: p.Ile305Thr; replaces isoleucine 305 with threonine.
Molecular consequence: missense variant.
Genome position (GRCh38, 1-based): chr8:89,964,490, A>G on the plus strand (T>C on the coding strand, the complement: NBN is on the minus strand). VCF-style: chr8-89964490-A-G. GRCh37 (hg19) VCF-style: chr8-90976718-A-G.
Other names: c.668T>C, p.Ile223Thr (NM_001024688.3); short protein forms I305T, I223T.
Identifiers: ClinVar variation 823051 (VCV000823051.14), dbSNP rs1586076225, ClinGen allele CA371657107.
Genomic context (GRCh38, chr8:89,964,490, plus strand): 5'-GGATCACAGTAATTCTTTGTAGTCATGAAAATCACCGCCAATCCAATTTCTGCTTCAGGA[A>G]TAGGTCTAAGACCTTGCCTATTAGAATAAAATAGTTTAAGTATGATAATATATTAAAACT-3'
Protein context (NP_002476.2, residues 295-315): DMLQRQGLRP[Ile305Thr]PEAEIGLAVI

ClinVar aggregate classification (germline): Uncertain significance. Review status: criteria provided, multiple submitters, no conflicts (2 of 4 stars). 5 submissions from 5 submitters: Uncertain significance (5). Last evaluated 2023-07-07.

Conditions:
Hereditary cancer-predisposing syndrome. Also called: Hereditary Cancer Syndrome; Neoplastic Syndromes, Hereditary; Hereditary neoplastic syndrome; Tumor predisposition. Identifiers: Orphanet 140162, MedGen C0027672, MeSH D009386, MONDO:0015356.
Microcephaly, normal intelligence and immunodeficiency (NBS). Also called: Nijmegen breakage syndrome; Microcephaly with normal intelligence immunodeficiency and lymphoreticular malignancies; Nonsyndromal microcephaly autosomal recessive with normal intelligence; Seemanova syndrome 2; Immunodeficiency, microcephaly with normal intelligence; Ataxia telangiectasia variant V1. Identifiers: Orphanet 647, MedGen C0398791, MONDO:0009623, OMIM 251260.

Allele frequency attached by ClinVar (database versions not stated): gnomAD exomes below 0.00001.
gnomAD v4.1: 3 of 1,603,806 alleles (0.00019%); highest among the groups gnomAD compares: Non-Finnish European, 0.00017%; no homozygotes.

Submissions (5):

Labcorp Genetics (formerly Invitae), Labcorp
Classification: Uncertain significance for Microcephaly, normal intelligence and immunodeficiency. Last evaluated: 2023-07-07. Review status: criteria provided, single submitter. Criteria: Invitae Variant Classification Sherloc (09022015). Collection method: clinical testing. Allele origin: germline.
Comment: This variant has not been reported in the literature in individuals affected with NBN-related conditions. This sequence change replaces isoleucine, which is neutral and non-polar, with threonine, which is neutral and polar, at codon 305 of the NBN protein (p.Ile305Thr). This variant is not present in population databases (gnomAD no frequency). ClinVar contains an entry for this variant (Variation ID: 823051). An algorithm developed to predict the effect of missense changes on protein structure and function (PolyPhen-2) suggests that this variant is likely to be disruptive. In summary, the available evidence is currently insufficient to determine the role of this variant in disease. Therefore, it has been classified as a Variant of Uncertain Significance.

GeneDx
Classification: Uncertain significance. Last evaluated: 2022-03-03. Review status: criteria provided, single submitter. Criteria: GeneDx Variant Classification Process June 2021. Collection method: clinical testing. Allele origin: germline. Affected: yes.
Comment: Not observed at significant frequency in large population cohorts (gnomAD); In silico analysis supports that this missense variant has a deleterious effect on protein structure/function; Has not been previously published as pathogenic or benign to our knowledge; This variant is associated with the following publications: (PMID: 24894818)

Genome-Nilou Lab
Classification: Uncertain significance for Microcephaly, normal intelligence and immunodeficiency. Last evaluated: 2021-11-07. Review status: criteria provided, single submitter. Criteria: ACMG Guidelines, 2015. Collection method: clinical testing. Allele origin: germline. Affected: no.

Women's Health and Genetics/Laboratory Corporation of America, LabCorp
Classification: Uncertain significance. Last evaluated: 2019-09-20. Review status: criteria provided, single submitter. Criteria: LabCorp Variant Classification Summary - May 2015. Collection method: clinical testing. Allele origin: germline.
Comment: Variant summary: NBN c.914T>C (p.Ile305Thr) results in a non-conservative amino acid change located in the second BRCT domain (IPR032429) of the encoded protein sequence. Five of five in-silico tools predict a damaging effect of the variant on protein function. The variant was absent in 251158 control chromosomes (gnomAD). The available data on variant occurrences in the general population are insufficient to allow any conclusion about variant significance. To our knowledge, no occurrence of c.914T>C in individuals affected with Nijmegen Breakage Syndrome and no experimental evidence demonstrating its impact on protein function have been reported. No clinical diagnostic laboratories have submitted clinical-significance assessments for this variant to ClinVar after 2014. Based on the evidence outlined above, the variant was classified as uncertain significance.

Ambry Genetics
Classification: Uncertain significance for Hereditary cancer-predisposing syndrome. Last evaluated: 2018-02-22. Review status: criteria provided, single submitter. Criteria: Ambry Variant Classification Scheme 2023. Collection method: clinical testing. Allele origin: germline.
Comment: The p.I305T variant (also known as c.914T>C), located in coding exon 8 of the NBN gene, results from a T to C substitution at nucleotide position 914. The isoleucine at codon 305 is replaced by threonine, an amino acid with similar properties. This amino acid position is highly conserved in available vertebrate species. In addition, this alteration is predicted to be deleterious by in silico analysis. Since supporting evidence is limited at this time, the clinical significance of this alteration remains unclear.